The following is an entry in ClinVar:

ClinVar aggregate classification (germline): Conflicting classifications of pathogenicity. Review status: criteria provided, conflicting classifications (1 of 4 stars). 6 submissions from 6 submitters: Uncertain significance (4); Likely benign (2). Last evaluated 2025-09-29.

Conditions:
Cardiovascular phenotype. Identifiers: MedGen CN230736.
Hypercholesterolemia, autosomal dominant, type B (FHCL2). Also called: Hyperlipoproteinemia Type IIb; Familial Hypercholesterolemia Type B; APOLIPOPROTEIN B-100, FAMILIAL DEFECTIVE; APOLIPOPROTEIN B-100, FAMILIAL LIGAND-DEFECTIVE; Familial hypercholesterolemia 2; APOB-Related Familial Hypercholesterolemia, Autosomal Dominant. Identifiers: MedGen C1704417, MONDO:0007751, OMIM 144010.
Familial hypobetalipoproteinemia 1. Also called: APOB-Related Familial Hypobetalipoproteinemia; Hypobetalipoproteinemia, normotriglyceridemic; Acanthocytosis with hypobetalipoproteinemia. Identifiers: MedGen C4551990, MONDO:0014252, OMIM 615558.

Submissions (6):

Labcorp Genetics (formerly Invitae), Labcorp
Classification: Likely benign for Familial hypobetalipoproteinemia 1; Hypercholesterolemia, autosomal dominant, type B. Last evaluated: 2025-09-29. Review status: criteria provided, single submitter. Criteria: Invitae Variant Classification Sherloc (09022015). Collection method: clinical testing. Allele origin: germline.

GeneDx
Classification: Uncertain significance. Last evaluated: 2025-07-17. Review status: criteria provided, single submitter. Criteria: GeneDx Variant Classification Process June 2021. Collection method: clinical testing. Allele origin: germline.
Comment: In-frame duplication of 3 amino acid(s) in a non-repeat region; Has not been previously published as pathogenic or benign to our knowledge

Molecular Diagnostic Laboratory for Inherited Cardiovascular Disease, Montreal Heart Institute
Classification: Uncertain significance for Cardiovascular phenotype. Last evaluated: 2025-04-09. Review status: criteria provided, single submitter. Criteria: ACMG Guidelines, 2015. Collection method: clinical testing. Allele origin: germline. Affected: yes.

Quest Diagnostics Nichols Institute San Juan Capistrano
Classification: Uncertain significance. Last evaluated: 2024-02-29. Review status: criteria provided, single submitter. Criteria: Quest Diagnostics criteria. Collection method: clinical testing. Allele origin: unknown.
Comment: The APOB c.4056_4064dup (p.Gly1354_Leu1356dup) variant does not alter the translational reading frame and has not been reported in individuals with APOB-related conditions in the published literature. The frequency of this variant in the general population, 0.00087 (31/35440 chromosomes in Admixed American subpopulation (Genome Aggregation Database)), is higher than would generally be expected for pathogenic variants in this gene. Based on the available information, we are unable to determine the clinical significance of this variant.

Ambry Genetics
Classification: Likely benign for Cardiovascular phenotype. Last evaluated: 2023-12-19. Review status: criteria provided, single submitter. Criteria: Ambry Variant Classification Scheme 2023. Collection method: clinical testing. Allele origin: germline.

New York Genome Center
Classification: Uncertain significance for Hypercholesterolemia, autosomal dominant, type B; Familial hypobetalipoproteinemia 1. Last evaluated: 2022-09-12. Review status: criteria provided, single submitter. Criteria: NYGC Assertion Criteria 2020. Collection method: clinical testing. Allele origin: germline. Observed: 1 heterozygote.

NM_000384.3(APOB):c.4056_4064dup (p.Gly1354_Leu1356dup)

Gene: APOB (apolipoprotein B; minus strand). Cytogenetic location: 2p24.1.
Variant type: Duplication.
Coding change: c.4056_4064dup on transcript NM_000384.3 (MANE Select); coding-DNA positions 4056 to 4064, 9 bases duplicated (CCTGGGTGT; older notation c.4056_4064dupCCTGGGTGT).
Protein change: p.Gly1354_Leu1356dup.
Molecular consequence: inframe insertion.
Genome position (GRCh38, 1-based): chr2:21,013,312-21,013,320, ACACCCAGG duplicated on the plus strand (CCTGGGTGT on the coding strand, the reverse complement: APOB is on the minus strand); duplicating any 9 consecutive bases within chr2:21,013,312-21,013,321 gives the same sequence; the c. name uses the placement nearest the transcript's 3' end. VCF-style (leftmost placement, unchanged base first): chr2-21013311-A-AACACCCAGG. GRCh37 (hg19) VCF-style: chr2-21236183-A-AACACCCAGG.
Other names: c.4056_4064dupCCTGGGTGT (NM_000384.2).
Identifiers: ClinVar variation 569579 (VCV000569579.24), dbSNP rs777844352, ClinGen allele CA1546542.